The following is an entry in ClinVar:

NM_002439.5(MSH3):c.1453G>T (p.Gly485Cys)

Gene: MSH3 (mutS homolog 3; plus strand). Cytogenetic location: 5q14.1.
Variant type: single nucleotide variant.
Coding change: c.1453G>T on transcript NM_002439.5 (MANE Select); coding-DNA position 1453, G replaced by T.
Protein change: p.Gly485Cys; replaces glycine 485 with cysteine.
Molecular consequence: missense variant.
Genome position (GRCh38, 1-based): chr5:80,725,565, G>T. VCF-style: chr5-80725565-G-T. GRCh37 (hg19) VCF-style: chr5-80021384-G-T.
Other names: c.1453G>T (NM_002439.3); short protein forms G485C.
Identifiers: ClinVar variation 639590 (VCV000639590.11), dbSNP rs1580587521, ClinGen allele CA360273785.

ClinVar aggregate classification (germline): Uncertain significance. Review status: criteria provided, multiple submitters, no conflicts (2 of 4 stars). 2 submissions from 2 submitters: Uncertain significance (2). Last evaluated 2026-03-31.

Conditions:
Hereditary cancer-predisposing syndrome. Also called: Tumor predisposition; Hereditary Cancer Syndrome; Neoplastic Syndromes, Hereditary; Hereditary neoplastic syndrome. Identifiers: Orphanet 140162, MedGen C0027672, MeSH D009386, MONDO:0015356.

Submissions (2):

Ambry Genetics
Classification: Uncertain significance for Hereditary cancer-predisposing syndrome. Last evaluated: 2026-03-31. Review status: criteria provided, single submitter. Criteria: Ambry Variant Classification Scheme 2023. Collection method: clinical testing. Allele origin: germline.
Comment: The c.1453G>T variant (also known as p.G485C), located in coding exon 9 of the MSH3 gene, results from a G to T substitution at nucleotide position 1453. The amino acid change results in glycine to cysteine at codon 485, an amino acid with highly dissimilar properties. However, this change occurs in the last base pair of coding exon 9, which makes it likely to have some effect on normal mRNA splicing. This amino acid position is well conserved in available vertebrate species. In silico splice site analysis predicts that this alteration may weaken the native splice donor site; however, direct evidence is insufficient at this time (Ambry internal data). In addition, the in silico prediction for this alteration is inconclusive. Based on the available evidence, the clinical significance of this variant remains unclear.

Labcorp Genetics (formerly Invitae), Labcorp
Classification: Uncertain significance. Last evaluated: 2019-12-05. Review status: criteria provided, single submitter. Criteria: Invitae Variant Classification Sherloc (09022015). Collection method: clinical testing. Allele origin: germline.
Comment: In summary, the available evidence is currently insufficient to determine the role of this variant in disease. Therefore, it has been classified as a Variant of Uncertain Significance. Nucleotide substitutions within the consensus splice site are a relatively common cause of aberrant splicing (PMID: 17576681, 9536098). Algorithms developed to predict the effect of sequence changes on RNA splicing suggest that this variant may disrupt the consensus splice site, but this prediction has not been confirmed by published transcriptional studies. Algorithms developed to predict the effect of missense changes on protein structure and function are either unavailable or do not agree on the potential impact of this missense change (SIFT: "Deleterious"; PolyPhen-2: "Benign"; Align-GVGD: "Class C0"). This variant has not been reported in the literature in individuals with MSH3-related disease. This variant is not present in population databases (ExAC no frequency). This sequence change replaces glycine with cysteine at codon 485 of the MSH3 protein (p.Gly485Cys). The glycine residue is moderately conserved and there is a large physicochemical difference between glycine and cysteine. This variant also falls at the last nucleotide of exon 9 of the MSH3 coding sequence, which is part of the consensus splice site for this exon.

Literature cited by the submitters: PubMed 17576681 (cited by Labcorp Genetics (formerly Invitae), Labcorp); PubMed 9536098 (cited by Labcorp Genetics (formerly Invitae), Labcorp).